The following is an entry in ClinVar:

NM_002470.4(MYH3):c.5504C>A (p.Thr1835Lys)

Gene: MYH3 (myosin heavy chain 3; minus strand). Cytogenetic location: 17p13.1.
Variant type: single nucleotide variant.
Coding change: c.5504C>A on transcript NM_002470.4 (MANE Select); coding-DNA position 5504, C replaced by A.
Protein change: p.Thr1835Lys; replaces threonine 1835 with lysine.
Molecular consequence: missense variant.
Genome position (GRCh38, 1-based): chr17:10,630,150, G>T on the plus strand (C>A on the coding strand, the complement: MYH3 is on the minus strand). VCF-style: chr17-10630150-G-T. GRCh37 (hg19) VCF-style: chr17-10533467-G-T.
Other names: short protein forms T1835K.
Identifiers: ClinVar variation 2098388 (VCV002098388.4), dbSNP rs746921344, ClinGen allele CA398130696.
Genomic context (GRCh38, chr17:10,630,150, plus strand): 5'-ACCTGGTACGTCAGCTCCTTGACCCTCCGCTCATACTTCCTCAGGCCCTTAACAGACTCT[G>T]TGTTCTTCTTCTGCTCTCCCTCAAGTTCAAACTCCAGCTCTCGGATCTGGGGGAGAGGGT-3'
Protein context (NP_002461.2, residues 1825-1845): FELEGEQKKN[Thr1835Lys]ESVKGLRKYE

ClinVar aggregate classification (germline): Uncertain significance (1 of 4 stars; one submission).

Submission:

Labcorp Genetics (formerly Invitae), Labcorp
Classification: Uncertain significance. Last evaluated: 2022-02-18. Review status: criteria provided, single submitter. Criteria: Invitae Variant Classification Sherloc (09022015). Collection method: clinical testing. Allele origin: germline.
Comment: In summary, the available evidence is currently insufficient to determine the role of this variant in disease. Therefore, it has been classified as a Variant of Uncertain Significance. Algorithms developed to predict the effect of missense changes on protein structure and function are either unavailable or do not agree on the potential impact of this missense change (SIFT: "Deleterious"; PolyPhen-2: "Benign"; Align-GVGD: "Class C65"). This variant has not been reported in the literature in individuals affected with MYH3-related conditions. This variant is not present in population databases (gnomAD no frequency). This sequence change replaces threonine, which is neutral and polar, with lysine, which is basic and polar, at codon 1835 of the MYH3 protein (p.Thr1835Lys).